The following is an entry in ClinVar:

ClinVar aggregate classification (germline): Pathogenic. Review status: criteria provided, multiple submitters, no conflicts (2 of 4 stars). 3 submissions from 3 submitters: Pathogenic (2). 1 of the submissions does not count toward it. Last evaluated 2025-04-14.

Conditions:
Osteogenesis imperfecta type I (OI1). Also called: OI, TYPE I; OSTEOGENESIS IMPERFECTA TARDA; OSTEOGENESIS IMPERFECTA WITH BLUE SCLERAE; Lobstein disease; Classic Non-deforming Osteogenesis Imperfecta with Blue Sclerae; Osteogenesis imperfecta type 1. Identifiers: Orphanet 216796, Orphanet 666, MedGen C0023931, MONDO:0008146, OMIM 166200. Disease mechanism: loss of function.
COL1A2-related disorder. Also called: COL1A2-related condition; COL1A2-Related Disorders.

Submissions (3):

Clinical Biomedical Laboratory, Shriners Hospital For Children - Canada
Classification: Pathogenic for Osteogenesis imperfecta type I. Last evaluated: 2025-04-14. Review status: criteria provided, single submitter. Criteria: ACMG Guidelines, 2015. Collection method: clinical testing. Allele origin: germline. Affected: yes.
Comment: This variant is predicted to substitute a glycine residue by an arginine residue in the triple helical domain of the collagen type I alpha 2 chain. Glycine substitutions in the triple helical domain of collagen type I cause disruption in the formation of the triple helix and are a typical cause of osteogenesis imperfecta. This variant is absent from general population databases (Genome Aggregation Database v4.1.0). Computational tools suggest that the change is detrimental to protein function (REVEL: 0.99). This specific variant has been reported in the literature as a cause of osteogenesis imperfecta (e.g., PMID: 30715774).

GeneDx
Classification: Pathogenic. Last evaluated: 2023-09-06. Review status: criteria provided, single submitter. Criteria: GeneDx Variant Classification Process June 2021. Collection method: clinical testing. Allele origin: germline. Affected: yes.
Comment: Not observed at significant frequency in large population cohorts (gnomAD); In silico analysis supports that this missense variant has a deleterious effect on protein structure/function; Occurs in the triple helical domain and replaces a glycine in a canonical Gly-X-Y repeat; missense substitution of a canonical glycine residue is expected to disrupt normal protein folding and function, and this is an established mechanism of disease (Jovanovic et al., 2021); Also known as p.(G655R); This variant is associated with the following publications: (PMID: 34007986, 30715774)

PreventionGenetics, part of Exact Sciences
Classification: Likely pathogenic for COL1A2-related condition. Last evaluated: 2023-11-08. Review status: no assertion criteria provided. Collection method: clinical testing. Allele origin: germline. Not counted in ClinVar's aggregate classification.
Comment: The COL1A2 c.2233G>A variant is predicted to result in the amino acid substitution p.Gly745Arg. This variant was reported in an individual with osteogenesis imperfecta (Table S1, Li et al. 2019. PubMed ID: 30715774). The p.Gly745 amino acid is located in the conserved Gly-Xaa-Yaa triple helical domain where substitutions of a glycine are usually pathogenic (Marini et al. 2007. PubMed ID: 17078022). This variant has not been reported in a large population database, indicating this variant is rare. This variant is interpreted as likely pathogenic.

Literature cited by the submitters: PubMed 30715774 (cited by Clinical Biomedical Laboratory, Shriners Hospital For Children - Canada).

NM_000089.4(COL1A2):c.2233G>A (p.Gly745Arg)

Gene: COL1A2 (collagen type I alpha 2 chain; plus strand). Cytogenetic location: 7q21.3.
Variant type: single nucleotide variant.
Coding change: c.2233G>A on transcript NM_000089.4 (MANE Select); coding-DNA position 2233, G replaced by A.
Protein change: p.Gly745Arg; replaces glycine 745 with arginine.
Molecular consequence: missense variant.
Genome position (GRCh38, 1-based): chr7:94,420,586, G>A. VCF-style: chr7-94420586-G-A. GRCh37 (hg19) VCF-style: chr7-94049898-G-A.
Other names: short protein forms G745R.
Identifiers: ClinVar variation 2579637 (VCV002579637.4), dbSNP rs2484725715, ClinGen allele CA368223522.
Genomic context (GRCh38, chr7:94,420,586, plus strand): 5'-GTTTATTTCCAACAGGGTGCTGCTGGTCAACCTGGTGCTAAAGGAGAAAGAGGAGCCAAA[G>A]GGCCTAAGGGTGAAAACGGTGTTGTTGGTCCCACAGGCCCCGTTGGAGCTGCTGGCCCAG-3'
Protein context (NP_000080.2, residues 735-755): PGAKGERGAK[Gly745Arg]PKGENGVVGP